The following is an entry in ClinVar:

NM_004119.3(FLT3):c.970G>A (p.Asp324Asn)

Gene: FLT3 (fms related receptor tyrosine kinase 3; minus strand). Cytogenetic location: 13q12.2.
Variant type: single nucleotide variant.
Coding change: c.970G>A on transcript NM_004119.3 (MANE Select); coding-DNA position 970, G replaced by A.
Protein change: p.Asp324Asn; replaces aspartic acid 324 with asparagine.
Molecular consequence: missense variant. On other transcripts: non-coding transcript variant (1).
Genome position (GRCh38, 1-based): chr13:28,049,450, C>T on the plus strand (G>A on the coding strand, the complement: FLT3 is on the minus strand). VCF-style: chr13-28049450-C-T. GRCh37 (hg19) VCF-style: chr13-28623587-C-T.
Other names: short protein forms D324N.
Identifiers: ClinVar variation 134451 (VCV000134451.4), dbSNP rs35602083, ClinGen allele CA159858.

ClinVar aggregate classification (germline): Likely benign. Review status: criteria provided, multiple submitters, no conflicts (2 of 4 stars). 4 submissions from 4 submitters: Likely benign (2). 2 of the submissions do not count toward it. Last evaluated 2017-06-21.

Conditions:
FLT3-related disorder. Also called: FLT3-related condition.

Allele frequency attached by ClinVar (database versions not stated): 1000 Genomes Project 30x 0.00718; 1000 Genomes Project 0.00719; TOPMed 0.01527; gnomAD 0.01583 and 0.01595; ExAC 0.01652; ESP Exome Variant Server 0.01692; gnomAD exomes 0.01722.

Submissions (4):

GeneDx
Classification: Likely benign. Last evaluated: 2017-06-21. Review status: criteria provided, single submitter. Criteria: GeneDx Variant Classification (06012015). Collection method: clinical testing. Allele origin: germline. Affected: yes.
Comment: This variant is considered likely benign or benign based on one or more of the following criteria: it is a conservative change, it occurs at a poorly conserved position in the protein, it is predicted to be benign by multiple in silico algorithms, and/or has population frequency not consistent with disease.

Breakthrough Genomics
Classification: Likely benign. Review status: criteria provided, single submitter. Criteria: ACMG Guidelines, 2015. Collection method: not provided. Allele origin: germline. Inheritance: Autosomal dominant inheritance. Affected: yes.

PreventionGenetics, part of Exact Sciences
Classification: Likely benign for FLT3-related condition. Last evaluated: 2020-05-26. Review status: no assertion criteria provided. Collection method: clinical testing. Allele origin: germline. Not counted in ClinVar's aggregate classification.
Comment: This variant is classified as likely benign based on ACMG/AMP sequence variant interpretation guidelines (Richards et al. 2015 PMID: 25741868, with internal and published modifications).

ITMI
No classification provided. Condition: AllHighlyPenetrant. Last evaluated: 2013-09-19. Review status: no classification provided. Collection method: reference population. Allele origin: germline. Not counted in ClinVar's aggregate classification.
Comment: Please see associated publication for description of ethnicities

Literature cited by the submitters: PubMed 24728327 (cited by ITMI).